The following is an entry in ClinVar:

NM_000944.5(PPP3CA):c.49G>T (p.Val17Leu)

Gene: PPP3CA (protein phosphatase 3 catalytic subunit alpha; minus strand). Cytogenetic location: 4q24.
Variant type: single nucleotide variant.
Coding change: c.49G>T on transcript NM_000944.5 (MANE Select); coding-DNA position 49, G replaced by T.
Protein change: p.Val17Leu; replaces valine 17 with leucine.
Molecular consequence: missense variant.
Genome position (GRCh38, 1-based): chr4:101,346,748, C>A on the plus strand (G>T on the coding strand, the complement: PPP3CA is on the minus strand). VCF-style: chr4-101346748-C-A. GRCh37 (hg19) VCF-style: chr4-102267905-C-A.
Other names: c.49G>T, p.Val17Leu (NM_001130691.2, NM_001130692.2); short protein forms V17L.
Identifiers: ClinVar variation 3364402 (VCV003364402.1).
Genomic context (GRCh38, chr4:101,346,748, plus strand): 5'-CTGGCGCCTGCGGCACACGGTGCACCCAGGCCACCGCGGCGCTCCGCTTACCTTTCACCA[C>A]CCTGTCGGTCGTCGACAACTTGGGATCAATTGCCTTGGGCTCGGACATCTCCAGCTGCCG-3'
Protein context (NP_000935.1, residues 7-27): IDPKLSTTDR[Val17Leu]VKAVPFPPSH

ClinVar aggregate classification (germline): Uncertain significance (1 of 4 stars; one submission).

Submission:

GeneDx
Classification: Uncertain significance. Last evaluated: 2023-11-20. Review status: criteria provided, single submitter. Criteria: GeneDx Variant Classification Process June 2021. Collection method: clinical testing. Allele origin: germline. Affected: yes.
Comment: Not observed at significant frequency in large population cohorts (gnomAD); In silico analysis supports that this missense variant does not alter protein structure/function; In silico analysis suggests this variant may impact gene splicing. In the absence of RNA/functional studies, the actual effect of this sequence change is unknown.; Has not been previously published as pathogenic or benign to our knowledge